The following is an entry in ClinVar:

ClinVar aggregate classification (germline): Benign (1 of 4 stars; one submission).

Conditions:
Progressive myoclonic epilepsy type 3. Also called: EPILEPSY, PROGRESSIVE MYOCLONIC, 3, WITH OR WITHOUT INTRACELLULAR INCLUSIONS; CEROID LIPOFUSCINOSIS, NEURONAL, 14; EPILEPSY, PROGRESSIVE MYOCLONIC, 3, WITHOUT INTRACELLULAR INCLUSIONS; KCTD7-Related Progressive Myoclonic Epilepsy. Identifiers: Orphanet 263516, MedGen C2673257, MONDO:0012721, OMIM 611726.

Allele frequency attached by ClinVar (database versions not stated): gnomAD exomes 0.00316; gnomAD 0.04065 and 0.04327; 1000 Genomes Project 0.04453; TOPMed 0.04548; 1000 Genomes Project 30x 0.04950.
gnomAD v4.1: 8,853 of 985,258 alleles (0.9%); highest among the groups gnomAD compares: African/African-American, 14%; 593 homozygotes.

Submission:

Illumina Laboratory Services, Illumina
Classification: Benign for Progressive myoclonic epilepsy type 3. Last evaluated: 2018-01-13. Review status: criteria provided, single submitter. Criteria: ICSL Variant Classification Criteria 13 December 2019. Collection method: clinical testing. Allele origin: germline.
Comment: This variant was observed in the ICSL laboratory as part of a predisposition screen in an ostensibly healthy population. It had not been previously curated by ICSL or reported in the Human Gene Mutation Database (HGMD: prior to June 1st, 2018), and was therefore a candidate for classification through an automated scoring system. Utilizing variant allele frequency, disease prevalence and penetrance estimates, and inheritance mode, an automated score was calculated to assess if this variant is too frequent to cause the disease. Based on the score and internal cut-off values, a variant classified as benign is not then subjected to further curation. The score for this variant resulted in a classification of benign for this disease.

NM_153033.5(KCTD7):c.*2080A>G

Gene: KCTD7 (potassium channel tetramerization domain containing 7; plus strand). Cytogenetic location: 7q11.21.
Variant type: single nucleotide variant.
Coding change: c.*2080A>G on transcript NM_153033.5 (MANE Select); 2080 bases downstream of the stop codon, A replaced by G.
Molecular consequence: 3 prime UTR variant.
Genome position (GRCh38, 1-based): chr7:66,641,312, A>G. VCF-style: chr7-66641312-A-G. GRCh37 (hg19) VCF-style: chr7-66106299-A-G.
Other names: c.*918A>G (NM_001167961.2).
Identifiers: ClinVar variation 360615 (VCV000360615.5), dbSNP rs73702140, ClinGen allele CA10629393.